The following is an entry in ClinVar:

NM_000138.5(FBN1):c.2629T>C (p.Ser877Pro)

Gene: FBN1 (fibrillin 1; minus strand). Cytogenetic location: 15q21.1.
Variant type: single nucleotide variant.
Coding change: c.2629T>C on transcript NM_000138.5 (MANE Select); coding-DNA position 2629, T replaced by C.
Protein change: p.Ser877Pro; replaces serine 877 with proline.
Molecular consequence: missense variant.
Genome position (GRCh38, 1-based): chr15:48,495,171, A>G on the plus strand (T>C on the coding strand, the complement: FBN1 is on the minus strand). VCF-style: chr15-48495171-A-G. GRCh37 (hg19) VCF-style: chr15-48787368-A-G.
Other names: c.2629T>C, p.Ser877Pro (NM_001406716.1); short protein forms S877P.
Identifiers: ClinVar variation 4685813 (VCV004685813.1).

ClinVar aggregate classification (germline): Uncertain significance (1 of 4 stars; one submission).

Submission:

ARUP Laboratories, Molecular Genetics and Genomics, ARUP Laboratories
Classification: Uncertain significance. Last evaluated: 2025-05-13. Review status: criteria provided, single submitter. Criteria: ARUP Molecular Germline Variant Investigation Process 2024. Collection method: clinical testing. Allele origin: germline.
Comment: The FBN1 c.2629T>C; p.Ser877Pro variant, to our knowledge, is not reported in the medical literature or gene specific databases. This variant is also absent from the Genome Aggregation Database (v2.1.1), indicating it is not a common polymorphism. Computational analyses predict that this variant is deleterious (REVEL: 0.714). Due to limited information, the clinical significance of this variant is uncertain at this time.